The following is an entry in ClinVar:

NM_006348.5(COG5):c.292+120A>G

Gene: COG5 (component of oligomeric golgi complex 5; minus strand). Cytogenetic location: 7q22.3.
Variant type: single nucleotide variant.
Coding change: c.292+120A>G on transcript NM_006348.5 (MANE Select); 120 bases into the intron after coding-DNA position 292, A replaced by G.
Molecular consequence: intron variant.
Genome position (GRCh38, 1-based): chr7:107,554,165, T>C on the plus strand (A>G on the coding strand, the complement: COG5 is on the minus strand). VCF-style: chr7-107554165-T-C. GRCh37 (hg19) VCF-style: chr7-107194610-T-C.
Other names: c.234+3811A>G (NM_001379516.1); c.292+120A>G (NM_001379515.1, NM_001379511.1, NM_001379512.1 and 4 more transcripts).
Identifiers: ClinVar variation 1691159 (VCV001691159.2), dbSNP rs114322086, ClinGen allele CA164166413.
Genomic context (GRCh38, chr7:107,554,165, plus strand): 5'-ACACACATTTGTTTTCATATTATCTGCCTACTTTCACTCTACAATGGCAGAGTTTAGTAG[T>C]TGCAACAGAGACTGTATGGCTGGCAAAGTCTAAAATACTTGCCATCCAAAGTAGCTTGCC-3'

ClinVar aggregate classification (germline): Likely benign (1 of 4 stars; one submission).

Allele frequency attached by ClinVar (database versions not stated): gnomAD 0.00567 and 0.00599; TOPMed 0.00628; 1000 Genomes Project 0.00819; 1000 Genomes Project 30x 0.00843.
gnomAD v4.1: 1,299 of 793,994 alleles (0.16%); highest among the groups gnomAD compares: African/African-American, 2%; 17 homozygotes.

Submission:

GeneDx
Classification: Likely benign. Last evaluated: 2021-12-01. Review status: criteria provided, single submitter. Criteria: GeneDx Variant Classification Process June 2021. Collection method: clinical testing. Allele origin: germline. Affected: yes.
Comment: See Variant Classification Assertion Criteria.